The following is an entry in ClinVar:

ClinVar aggregate classification (germline): Uncertain significance (1 of 4 stars; one submission).

Allele frequency attached by ClinVar (database versions not stated): gnomAD 0.00001; gnomAD exomes 0.00001; TOPMed 0.00002.
gnomAD v4.1: 22 of 1,611,610 alleles (0.0014%); highest among the groups gnomAD compares: Non-Finnish European, 0.0016%; no homozygotes.

Submission:

Labcorp Genetics (formerly Invitae), Labcorp
Classification: Uncertain significance. Last evaluated: 2022-10-05. Review status: criteria provided, single submitter. Criteria: Invitae Variant Classification Sherloc (09022015). Collection method: clinical testing. Allele origin: germline.
Comment: In summary, the available evidence is currently insufficient to determine the role of this variant in disease. Therefore, it has been classified as a Variant of Uncertain Significance. Advanced modeling of protein sequence and biophysical properties (such as structural, functional, and spatial information, amino acid conservation, physicochemical variation, residue mobility, and thermodynamic stability) performed at Invitae indicates that this missense variant is not expected to disrupt EXOSC9 protein function. This variant has not been reported in the literature in individuals affected with EXOSC9-related conditions. This variant is present in population databases (no rsID available, gnomAD 0.0009%). This sequence change replaces valine, which is neutral and non-polar, with methionine, which is neutral and non-polar, at codon 155 of the EXOSC9 protein (p.Val155Met).

NM_005033.3(EXOSC9):c.463G>A (p.Val155Met)

Gene: EXOSC9 (exosome component 9; plus strand). Cytogenetic location: 4q27.
Variant type: single nucleotide variant.
Coding change: c.463G>A on transcript NM_005033.3 (MANE Select); coding-DNA position 463, G replaced by A.
Protein change: p.Val155Met; replaces valine 155 with methionine.
Molecular consequence: missense variant.
Genome position (GRCh38, 1-based): chr4:121,804,700, G>A. VCF-style: chr4-121804700-G-A. GRCh37 (hg19) VCF-style: chr4-122725855-G-A.
Other names: c.463G>A, p.Val155Met (NM_001034194.2); short protein forms V155M.
Identifiers: ClinVar variation 1907136 (VCV001907136.5), dbSNP rs1435302717, ClinGen allele CA358042503.